The following is an entry in ClinVar:

ClinVar aggregate classification (germline): Uncertain significance (1 of 4 stars; one submission).

Conditions:
Cholestasis, progressive familial intrahepatic, 10 (PFIC10). Identifiers: MedGen C5676981, MONDO:0030810, OMIM 619868.

Submission:

Neuberg Centre For Genomic Medicine, NCGM
Classification: Uncertain significance for Cholestasis, progressive familial intrahepatic, 10. Last evaluated: 2023-06-22. Review status: criteria provided, single submitter. Criteria: ACMG Guidelines, 2015. Collection method: clinical testing. Allele origin: germline. Inheritance: Autosomal recessive inheritance. Affected: yes.
Comment: The observed splice region/ synonymous variant c.3276G>Ap.Lys1092 in MYO5B gene has not been reported previously as a pathogenic variant nor as a benign variant, to our knowledge. The p.Lys1092 variant is absent in gnomAD Exomes. The variant is predicted to be damaging by SpliceAI Prediction. This p.Lys1092 type of mutation causes no change in the protein that is produced, which is why it's considered as synonymous mutation. For these reasons, this variant has been classified as Uncertain Significance.

NM_001080467.3(MYO5B):c.3276G>A (p.Lys1092=)

Gene: MYO5B (myosin VB; minus strand). Cytogenetic location: 18q21.1.
Variant type: single nucleotide variant.
Coding change: c.3276G>A on transcript NM_001080467.3 (MANE Select); coding-DNA position 3276, G replaced by A.
Protein change: p.Lys1092=; no amino-acid change (lysine 1092 retained).
Molecular consequence: synonymous variant.
Genome position (GRCh38, 1-based): chr18:49,878,945, C>T on the plus strand (G>A on the coding strand, the complement: MYO5B is on the minus strand). VCF-style: chr18-49878945-C-T. GRCh37 (hg19) VCF-style: chr18-47405315-C-T.
Identifiers: ClinVar variation 3391183 (VCV003391183.1).